The following is an entry in ClinVar:

ClinVar aggregate classification (germline): Uncertain significance (1 of 4 stars; one submission).

Submission:

GeneDx
Classification: Uncertain significance. Last evaluated: 2025-06-09. Review status: criteria provided, single submitter. Criteria: GeneDx Variant Classification Process June 2021. Collection method: clinical testing. Allele origin: germline. Affected: yes.
Comment: Not observed at significant frequency in large population cohorts (gnomAD); In-frame deletion of 4 amino acids in a non-repeat region; In silico analysis supports a deleterious effect on protein structure/function; Has not been previously published as pathogenic or benign to our knowledge.

NM_004369.4(COL6A3):c.3654_3665del (p.Val1219_Pro1222del)

Gene: COL6A3 (collagen type VI alpha 3 chain; minus strand). Cytogenetic location: 2q37.3.
Variant type: Deletion.
Coding change: c.3654_3665del on transcript NM_004369.4 (MANE Select); coding-DNA positions 3654 to 3665, 12 bases deleted (GGTGTTGCAGCC).
Protein change: p.Val1219_Pro1222del.
Molecular consequence: inframe indel (on NM_004369.3).
Genome position (GRCh38, 1-based): chr2:237,374,426-237,374,437, GGCTGCAACACC deleted on the plus strand (GGTGTTGCAGCC on the coding strand, the reverse complement: COL6A3 is on the minus strand); deleting any 12 consecutive bases within chr2:237,374,426-237,374,444 gives the same sequence; the c. name uses the placement nearest the transcript's 3' end. VCF-style (leftmost placement, unchanged base first): chr2-237374425-AGGCTGCAACACC-A. GRCh37 (hg19) VCF-style: chr2-238283068-AGGCTGCAACACC-A.
Other names: c.3647_3658delTGCAGCCGGTGT, p.Val1219_Pro1222del (NM_004369.3); c.2433_2444del, p.Val812_Pro815del (NM_057164.5); c.3036_3047del, p.Val1013_Pro1016del (NM_057165.5, NM_057167.4); c.1833_1844del, p.Val612_Pro615del (NM_057166.5).
Identifiers: ClinVar variation 4537600 (VCV004537600.1).